The following is an entry in ClinVar:

NM_006420.3(ARFGEF2):c.1160A>T (p.Lys387Ile)

Gene: ARFGEF2 (ARF guanine nucleotide exchange factor 2; plus strand). Cytogenetic location: 20q13.13.
Variant type: single nucleotide variant.
Coding change: c.1160A>T on transcript NM_006420.3 (MANE Select); coding-DNA position 1160, A replaced by T.
Protein change: p.Lys387Ile; replaces lysine 387 with isoleucine.
Molecular consequence: missense variant.
Genome position (GRCh38, 1-based): chr20:48,969,247, A>T. VCF-style: chr20-48969247-A-T. GRCh37 (hg19) VCF-style: chr20-47585784-A-T.
Other names: c.1157A>T, p.Lys386Ile (NM_001410846.1); short protein forms K386I, K387I.
Identifiers: ClinVar variation 4795852 (VCV004795852.1).

ClinVar aggregate classification (germline): Likely benign (1 of 4 stars; one submission).

Conditions:
Periventricular heterotopia with microcephaly, autosomal recessive (ARPHM). Also called: PERIVENTRICULAR NODULAR HETEROTOPIA 2; Periventricular heterotopia with microcephaly. Identifiers: Orphanet 2149, MedGen C1842563, MONDO:0011966, OMIM 608097.

gnomAD v4.1: 3 of 1,614,216 alleles (0.00019%); highest among the groups gnomAD compares: South Asian, 0.0022%; no homozygotes.

Submission:

Centre for Medical Genetics,  Mumbai
Classification: Likely benign for Periventricular heterotopia with microcephaly, autosomal recessive. Last evaluated: 2026-02-19. Review status: criteria provided, single submitter. Criteria: ACMG Guidelines, 2015. Collection method: provider interpretation. Allele origin: germline. Inheritance: Autosomal recessive inheritance. Affected: no. Observed: 1 homozygote.
Comment: The variant satisfies PM2 criteria; Extremely low frequency in gnomAD population databases. However, the variant satisfies BS2 criteria.

Literature cited by the submitters: PubMed 12682315.